The following is an entry in ClinVar:

ClinVar aggregate classification (germline): Uncertain significance. Review status: reviewed by expert panel (3 of 4 stars). 3 submissions from 3 submitters: Uncertain significance (1). 2 of the submissions do not count toward it. Last evaluated 2023-12-25.

Conditions:
Monogenic diabetes. Identifiers: Orphanet 183625, MedGen C3888631, MONDO:0015967.
Fanconi renotubular syndrome 4 with maturity-onset diabetes of the young (FRTS4). Also called: FRTS4 WITH MODY. Identifiers: Orphanet 93111, MedGen C4014962, MONDO:0014458, OMIM 616026.
Maturity-onset diabetes of the young type 1. Also called: MODY type 1; Diabetes mellitus MODY type 1; MODY HNF4A related; HNF4A-Related Maturity-Onset Diabetes of the Young Type 1; MODY, type I; MILD JUVENILE DIABETES MELLITUS. Identifiers: Orphanet 552, MedGen C1852093, MONDO:0007452, OMIM 125850. Disease mechanism: loss of function.

gnomAD v4.1: 8 of 1,613,910 alleles (0.0005%); highest among the groups gnomAD compares: Non-Finnish European, 0.00068%; no homozygotes.

Submissions (3):

ClinGen Monogenic Diabetes Variant Curation Expert Panel
Classification: Uncertain significance for Monogenic diabetes. Last evaluated: 2023-12-25. Review status: reviewed by expert panel. Criteria: ClinGen Diabetes ACMG Specifications HNF4A V2.0.0. Collection method: curation. Allele origin: germline. Inheritance: Autosomal dominant inheritance.
Comment: The c.589C>A variant in the hepatic nuclear factor 4-alpha gene, HNF4A, causes an amino acid change of leucine to methionine at codon 197 (p.(Leu197Met)) of NM_175914.5. This variant is located within the ligand-binding domain (codons 180-220 and 300-350) of HNF4A, which is defined as critical for the protein’s function by the ClinGen MDEP (PM1_Supporting). This variant is predicted to be deleterious by computational evidence, with a REVEL score of 0.9029, which is greater than the MDEP VCEP threshold of 0.70 (PP3). This variant is absent from gnomAD v2.1.1 (PM2_Supporting). In summary, c.589C>A meets the criteria to be classified as a variant of uncertain significance for monogenic diabetes. ACMG/AMP criteria applied, as specified by the ClinGen MDEP (specification version 2.0.0, approved 10/11/2023): PP3, PM1_Supporting, PM2_Supporting.

Genetics and Molecular Pathology, SA Pathology
Classification: Likely pathogenic for Fanconi renotubular syndrome 4 with maturity-onset diabetes of the young. Last evaluated: 2021-05-14. Review status: criteria provided, single submitter. Criteria: ACMG Guidelines, 2015. Collection method: clinical testing. Allele origin: germline. Inheritance: Autosomal dominant inheritance. Affected: yes. Not counted in ClinVar's aggregate classification.

Broad Center for Mendelian Genomics, Broad Institute of MIT and Harvard
Classification: Uncertain significance for Maturity-onset diabetes of the young type 1. Last evaluated: 2020-01-22. Review status: criteria provided, single submitter. Criteria: ACMG Guidelines, 2015. Collection method: curation. Allele origin: germline. Inheritance: Autosomal dominant inheritance. Not counted in ClinVar's aggregate classification.
Comment: The p.Leu219Met variant in HNF4A has not been previously reported in individuals with MODY and was absent from large population studies. Computational prediction tools and conservation analyses suggest that this variant may impact the protein, though this information is not predictive enough to determine pathogenicity. p.Leu219Met is located in a region of HNF4A that is essential to protein folding and stability, suggesting that this variant is in a functional domain and supports pathogenicity (PMID: 15123688, 15826954). In summary, while there is some suspicion for a pathogenic role, the clinical significance of this variant is uncertain. ACMG/AMP Criteria applied: PM2, PM1, PP3 (Richards 2015).

Literature cited by the submitters: PubMed 15826954 (cited by Broad Center for Mendelian Genomics, Broad Institute of MIT and Harvard); PubMed 15123688 (cited by Broad Center for Mendelian Genomics, Broad Institute of MIT and Harvard).

NM_175914.5(HNF4A):c.589C>A (p.Leu197Met)

Gene: HNF4A (hepatocyte nuclear factor 4 alpha; plus strand). Cytogenetic location: 20q13.12.
Variant type: single nucleotide variant.
Coding change: c.589C>A on transcript NM_175914.5 (MANE Select); coding-DNA position 589, C replaced by A.
Protein change: p.Leu197Met; replaces leucine 197 with methionine.
Molecular consequence: missense variant.
Genome position (GRCh38, 1-based): chr20:44,418,431, C>A. VCF-style: chr20-44418431-C-A. GRCh37 (hg19) VCF-style: chr20-43047071-C-A.
Other names: NM_175914.5(HNF4A):c.589C>A; p.Leu197Met; c.655C>A, p.Leu219Met (NM_000457.6, NM_178849.3, NM_178850.3); c.589C>A, p.Leu197Met (NM_001030003.3, NM_001030004.3); c.634C>A, p.Leu212Met (NM_001258355.2); c.580C>A, p.Leu194Met (NM_001287182.2, NM_001287183.2, NM_001287184.2); short protein forms L194M, L197M, L212M, L219M.
Identifiers: ClinVar variation 972785 (VCV000972785.6), dbSNP rs1775879070, ClinGen allele CA409106746.